The following is an entry in ClinVar:

NM_000179.3(MSH6):c.2698G>C (p.Gly900Arg)

Gene: MSH6 (mutS homolog 6; plus strand). Cytogenetic location: 2p16.3.
Variant type: single nucleotide variant.
Coding change: c.2698G>C on transcript NM_000179.3 (MANE Select); coding-DNA position 2698, G replaced by C.
Protein change: p.Gly900Arg; replaces glycine 900 with arginine.
Molecular consequence: missense variant.
Genome position (GRCh38, 1-based): chr2:47,800,681, G>C. VCF-style: chr2-47800681-G-C. GRCh37 (hg19) VCF-style: chr2-48027820-G-C.
Other names: c.2308G>C, p.Gly770Arg (NM_001281492.2); c.1792G>C, p.Gly598Arg (NM_001281493.2, NM_001281494.2); short protein forms G900R, G598R, G770R.
Identifiers: ClinVar variation 1393287 (VCV001393287.8), dbSNP rs2104419723, ClinGen allele CA346755315.

ClinVar aggregate classification (germline): Uncertain significance (1 of 4 stars; one submission).

Conditions:
Hereditary nonpolyposis colorectal neoplasms. Identifiers: MedGen C0009405, MeSH D003123.

Submission:

Labcorp Genetics (formerly Invitae), Labcorp
Classification: Uncertain significance for Hereditary nonpolyposis colorectal neoplasms. Last evaluated: 2022-03-15. Review status: criteria provided, single submitter. Criteria: Invitae Variant Classification Sherloc (09022015). Collection method: clinical testing. Allele origin: germline.
Comment: In summary, the available evidence is currently insufficient to determine the role of this variant in disease. Therefore, it has been classified as a Variant of Uncertain Significance. Algorithms developed to predict the effect of missense changes on protein structure and function (SIFT, PolyPhen-2, Align-GVGD) all suggest that this variant is likely to be disruptive. This variant has not been reported in the literature in individuals affected with MSH6-related conditions. This variant is not present in population databases (gnomAD no frequency). This sequence change replaces glycine, which is neutral and non-polar, with arginine, which is basic and polar, at codon 900 of the MSH6 protein (p.Gly900Arg).